The following is an entry in ClinVar:

ClinVar aggregate classification (germline): Uncertain significance (1 of 4 stars; one submission).

Allele frequency attached by ClinVar (database versions not stated): gnomAD 0.00004; ExAC 0.00005; TOPMed 0.00005.
gnomAD v4.1: 88 of 1,614,084 alleles (0.0055%); highest among the groups gnomAD compares: Non-Finnish European, 0.0067%; no homozygotes.

Submission:

Labcorp Genetics (formerly Invitae), Labcorp
Classification: Uncertain significance. Last evaluated: 2023-07-14. Review status: criteria provided, single submitter. Criteria: Invitae Variant Classification Sherloc (09022015). Collection method: clinical testing. Allele origin: germline.
Comment: In summary, the available evidence is currently insufficient to determine the role of this variant in disease. Therefore, it has been classified as a Variant of Uncertain Significance. An algorithm developed to predict the effect of missense changes on protein structure and function (PolyPhen-2) suggests that this variant is likely to be disruptive. This variant has not been reported in the literature in individuals affected with SLCO5A1-related conditions. This variant is present in population databases (rs757213198, gnomAD 0.007%). This sequence change replaces arginine, which is basic and polar, with tryptophan, which is neutral and slightly polar, at codon 643 of the SLCO5A1 protein (p.Arg643Trp).

NM_030958.3(SLCO5A1):c.1927C>T (p.Arg643Trp)

Gene: SLCO5A1 (solute carrier organic anion transporter family member 5A1; minus strand). Cytogenetic location: 8q13.3.
Variant type: single nucleotide variant.
Coding change: c.1927C>T on transcript NM_030958.3 (MANE Select); coding-DNA position 1927, C replaced by T.
Protein change: p.Arg643Trp; replaces arginine 643 with tryptophan.
Molecular consequence: missense variant.
Genome position (GRCh38, 1-based): chr8:69,679,475, G>A on the plus strand (C>T on the coding strand, the complement: SLCO5A1 is on the minus strand). VCF-style: chr8-69679475-G-A. GRCh37 (hg19) VCF-style: chr8-70591710-G-A.
Other names: c.1927C>T, p.Arg643Trp (NM_001146008.2); c.1762C>T, p.Arg588Trp (NM_001146009.1); short protein forms R588W, R643W.
Identifiers: ClinVar variation 2710916 (VCV002710916.2), dbSNP rs757213198, ClinGen allele CA4776464.